The following is an entry in ClinVar:

NM_014639.4(SKIC3):c.2182T>G (p.Tyr728Asp)

Gene: SKIC3 (SKI3 subunit of superkiller complex; minus strand). Cytogenetic location: 5q15.
Variant type: single nucleotide variant.
Coding change: c.2182T>G on transcript NM_014639.4 (MANE Select); coding-DNA position 2182, T replaced by G.
Protein change: p.Tyr728Asp; replaces tyrosine 728 with aspartic acid.
Molecular consequence: missense variant.
Genome position (GRCh38, 1-based): chr5:95,517,255, A>C on the plus strand (T>G on the coding strand, the complement: SKIC3 is on the minus strand). VCF-style: chr5-95517255-A-C. GRCh37 (hg19) VCF-style: chr5-94852959-A-C.
Other names: short protein forms Y728D.
Identifiers: ClinVar variation 4693510 (VCV004693510.1).

ClinVar aggregate classification (germline): Uncertain significance (1 of 4 stars; one submission).

gnomAD v4.1: 13 of 1,613,384 alleles (0.00081%); highest among the groups gnomAD compares: Non-Finnish European, 0.001%; no homozygotes.

Submission:

Labcorp Genetics (formerly Invitae), Labcorp
Classification: Uncertain significance. Last evaluated: 2025-11-19. Review status: criteria provided, single submitter. Criteria: Invitae Variant Classification Sherloc (09022015). Collection method: clinical testing. Allele origin: germline.
Comment: This sequence change replaces tyrosine, which is neutral and polar, with aspartic acid, which is acidic and polar, at codon 728 of the TTC37 protein (p.Tyr728Asp). This variant is not present in population databases (gnomAD no frequency). This variant has not been reported in the literature in individuals affected with TTC37-related conditions. An algorithm developed to predict the effect of missense changes on protein structure and function (PolyPhen-2) suggests that this variant is likely to be tolerated. In summary, the available evidence is currently insufficient to determine the role of this variant in disease. Therefore, it has been classified as a Variant of Uncertain Significance.